The following is an entry in ClinVar:

ClinVar aggregate classification (germline): Likely benign. Review status: criteria provided, multiple submitters, no conflicts (2 of 4 stars). 4 submissions from 4 submitters: Likely benign (4). Last evaluated 2026-01-26.

Conditions:
Neuropathy, hereditary sensory and autonomic, type 2A (HSAN2A). Also called: ACROOSTEOLYSIS, GIACCAI TYPE; ACROOSTEOLYSIS, NEUROGENIC; WNK1-Related HSAN2 (HSAN2A); HSAN IIA; MORVAN DISEASE; NEUROPATHY, CONGENITAL SENSORY. Identifiers: Orphanet 970, MedGen C2752089, MONDO:0024309, OMIM 201300.
Pseudohypoaldosteronism type 2C (PHA2C). Also called: Pseudohypoaldosteronism Type IIC. Identifiers: Orphanet 757, Orphanet 88940, MedGen C1840391, MONDO:0013778, OMIM 614492.
Inborn genetic diseases. Identifiers: MedGen C0950123, MeSH D030342.
WNK1-related disorder. Also called: WNK1-related condition.

Allele frequency attached by ClinVar (database versions not stated): 1000 Genomes Project 30x 0.00281; gnomAD exomes 0.00025; ExAC 0.00032; ESP Exome Variant Server 0.00062; gnomAD 0.00124 and 0.00129; TOPMed 0.00135; 1000 Genomes Project 0.00240.
gnomAD v4.1: 352 of 1,613,712 alleles (0.022%); highest among the groups gnomAD compares: African/African-American, 0.43%; 1 homozygote.

Submissions (4):

Labcorp Genetics (formerly Invitae), Labcorp
Classification: Likely benign for Neuropathy, hereditary sensory and autonomic, type 2A; Pseudohypoaldosteronism type 2C. Last evaluated: 2026-01-26. Review status: criteria provided, single submitter. Criteria: Invitae Variant Classification Sherloc (09022015). Collection method: clinical testing. Allele origin: germline.

PreventionGenetics, part of Exact Sciences
Classification: Likely benign for WNK1-related condition. Last evaluated: 2025-03-12. Review status: criteria provided, single submitter. Criteria: ACMG Guidelines, 2015. Collection method: clinical testing. Allele origin: germline.
Comment: This variant is classified as likely benign based on ACMG/AMP sequence variant interpretation guidelines (Richards et al. 2015 PMID: 25741868, with internal and published modifications).

Fulgent Genetics
Classification: Likely benign for Neuropathy, hereditary sensory and autonomic, type 2A; Pseudohypoaldosteronism type 2C. Last evaluated: 2022-04-26. Review status: criteria provided, single submitter. Criteria: ACMG Guidelines, 2015. Collection method: clinical testing. Allele origin: unknown.

Ambry Genetics
Classification: Likely benign for Inborn genetic diseases. Last evaluated: 2019-10-01. Review status: criteria provided, single submitter. Criteria: Ambry Variant Classification Scheme 2023. Collection method: clinical testing. Allele origin: germline.

NM_018979.4(WNK1):c.677A>T (p.Glu226Val)

Gene: WNK1 (WNK lysine deficient protein kinase 1; plus strand). Cytogenetic location: 12p13.33.
Variant type: single nucleotide variant.
Coding change: c.677A>T on transcript NM_018979.4 (MANE Select); coding-DNA position 677, A replaced by T.
Protein change: p.Glu226Val; replaces glutamic acid 226 with valine.
Molecular consequence: missense variant.
Genome position (GRCh38, 1-based): chr12:754,242, A>T. VCF-style: chr12-754242-A-T. GRCh37 (hg19) VCF-style: chr12-863408-A-T.
Other names: c.677A>T, p.Glu226Val (NM_001184985.2, NM_014823.3, NM_213655.5); short protein forms E226V.
Identifiers: ClinVar variation 538536 (VCV000538536.16), dbSNP rs72647373, ClinGen allele CA6381826.